The following is an entry in ClinVar:

NM_001369.3(DNAH5):c.12779A>G (p.Asp4260Gly)

Gene: DNAH5 (dynein axonemal heavy chain 5; minus strand). Cytogenetic location: 5p15.2.
Variant type: single nucleotide variant.
Coding change: c.12779A>G on transcript NM_001369.3 (MANE Select); coding-DNA position 12779, A replaced by G.
Protein change: p.Asp4260Gly; replaces aspartic acid 4260 with glycine.
Molecular consequence: missense variant.
Genome position (GRCh38, 1-based): chr5:13,716,617, T>C on the plus strand (A>G on the coding strand, the complement: DNAH5 is on the minus strand). VCF-style: chr5-13716617-T-C. GRCh37 (hg19) VCF-style: chr5-13716726-T-C.
Other names: short protein forms D4260G.
Identifiers: ClinVar variation 3612140 (VCV003612140.2).
Genomic context (GRCh38, chr5:13,716,617, plus strand): 5'-TCTGGTCCAAACATATTTTCACTGAACCAAACCTTAGCAAATGTGTTCAACAATCTCTTA[T>C]CATAGTCGTCAGTGACTCTGCCTCCATATTGAATCTCTCCTATCATGTAGCGGATGGTGG-3'
Protein context (NP_001360.1, residues 4250-4270): QYGGRVTDDY[Asp4260Gly]KRLLNTFAKV

ClinVar aggregate classification (germline): Uncertain significance (1 of 4 stars; one submission).

Conditions:
Primary ciliary dyskinesia. Also called: Ciliary dyskinesia. Identifiers: Orphanet 244, MedGen C0008780, MONDO:0016575, HP:0012265.

Submission:

Labcorp Genetics (formerly Invitae), Labcorp
Classification: Uncertain significance for Primary ciliary dyskinesia. Last evaluated: 2024-10-07. Review status: criteria provided, single submitter. Criteria: Invitae Variant Classification Sherloc (09022015). Collection method: clinical testing. Allele origin: germline.
Comment: This sequence change replaces aspartic acid, which is acidic and polar, with glycine, which is neutral and non-polar, at codon 4260 of the DNAH5 protein (p.Asp4260Gly). This variant is not present in population databases (gnomAD no frequency). This missense change has been observed in individual(s) with primary ciliary dyskinesia (internal data). Invitae Evidence Modeling of protein sequence and biophysical properties (such as structural, functional, and spatial information, amino acid conservation, physicochemical variation, residue mobility, and thermodynamic stability) has been performed for this missense variant. However, the output from this modeling did not meet the statistical confidence thresholds required to predict the impact of this variant on DNAH5 protein function. Algorithms developed to predict the effect of sequence changes on RNA splicing suggest that this variant may disrupt the consensus splice site. In summary, the available evidence is currently insufficient to determine the role of this variant in disease. Therefore, it has been classified as a Variant of Uncertain Significance.